The following is an entry in ClinVar:

NM_000090.4(COL3A1):c.3073G>A (p.Asp1025Asn)

Gene: COL3A1 (collagen type III alpha 1 chain; plus strand). Cytogenetic location: 2q32.2.
Variant type: single nucleotide variant.
Coding change: c.3073G>A on transcript NM_000090.4 (MANE Select); coding-DNA position 3073, G replaced by A.
Protein change: p.Asp1025Asn; replaces aspartic acid 1025 with asparagine.
Molecular consequence: missense variant.
Genome position (GRCh38, 1-based): chr2:189,006,239, G>A. VCF-style: chr2-189006239-G-A. GRCh37 (hg19) VCF-style: chr2-189870965-G-A.
Other names: short protein forms D1025N.
Identifiers: ClinVar variation 3071119 (VCV003071119.2), dbSNP rs2469157813, ClinGen allele CA349844952.
Genomic context (GRCh38, chr2:189,006,239, plus strand): 5'-TTATTTCCTTTCTCATTTTTTAATCAGGGAAACCCTGGATCAGATGGTCTTCCAGGCCGA[G>A]ATGGATCTCCTGGTGGCAAGGTATAATAAACACATGTGCAATTGATTTGTGTTATCAAAA-3'
Protein context (NP_000081.2, residues 1015-1035): NPGSDGLPGR[Asp1025Asn]GSPGGKGDRG

ClinVar aggregate classification (germline): Uncertain significance. Review status: criteria provided, multiple submitters, no conflicts (2 of 4 stars). 2 submissions from 2 submitters: Uncertain significance (2). Last evaluated 2025-12-29.

Conditions:
Ehlers-Danlos syndrome, type 4 (EDSVASC). Also called: Ehlers-Danlos Syndrome Type IV; Ehlers-Danlos syndrome vascular type; Ehlers Danlos syndrome, ecchymotic type; Ehlers Danlos syndrome, arterial type; Ehlers Danlos syndrome, Sack-Barabas type. Identifiers: Orphanet 286, MedGen C0268338, MONDO:0017314, OMIM 130050.

Submissions (2):

Labcorp Genetics (formerly Invitae), Labcorp
Classification: Uncertain significance for Ehlers-Danlos syndrome, type 4. Last evaluated: 2025-12-29. Review status: criteria provided, single submitter. Criteria: Invitae Variant Classification Sherloc (09022015). Collection method: clinical testing. Allele origin: germline.
Comment: This sequence change replaces aspartic acid, which is acidic and polar, with asparagine, which is neutral and polar, at codon 1025 of the COL3A1 protein (p.Asp1025Asn). This variant is not present in population databases (gnomAD no frequency). This variant has not been reported in the literature in individuals affected with COL3A1-related conditions. ClinVar contains an entry for this variant (Variation ID: 3071119). Invitae Evidence Modeling of protein sequence and biophysical properties (such as structural, functional, and spatial information, amino acid conservation, physicochemical variation, residue mobility, and thermodynamic stability) has been performed for this missense variant. However, the output from this modeling did not meet the statistical confidence thresholds required to predict the impact of this variant on COL3A1 protein function. In summary, the available evidence is currently insufficient to determine the role of this variant in disease. Therefore, it has been classified as a Variant of Uncertain Significance.

All of Us Research Program, National Institutes of Health
Classification: Uncertain significance for Ehlers-Danlos syndrome, type 4. Last evaluated: 2024-01-11. Review status: criteria provided, single submitter. Criteria: ACMG Guidelines, 2015. Collection method: clinical testing. Allele origin: germline. Inheritance: Autosomal dominant inheritance. Observed: 2 variant alleles, 2 heterozygotes.
Comment: This missense variant replaces aspartic acid with asparagine at codon 1025 of the COL3A1 protein. Computational prediction suggests that this variant may not impact protein structure and function (internally defined REVEL score threshold <= 0.5, PMID: 27666373). To our knowledge, functional studies have not been reported for this variant. This variant has not been reported in individuals affected with COL3A1-related disorders in the literature. This variant has not been identified in the general population by the Genome Aggregation Database (gnomAD). The available evidence is insufficient to determine the role of this variant in disease conclusively. Therefore, this variant is classified as a Variant of Uncertain Significance.

This study involves interpretation of variants in research participants for the purpose of population health screening. Participant phenotype was not available at the time of variant classification. Additional details can be found in publication PMID: 35346344, PMCID: PMC8962531